The following is an entry in ClinVar:

ClinVar aggregate classification (germline): Uncertain significance (1 of 4 stars; one submission).

gnomAD v4.1: 6 of 1,609,862 alleles (0.00037%); highest among the groups gnomAD compares: Non-Finnish European, 0.00051%; no homozygotes.

Submission:

GeneDx
Classification: Uncertain significance. Last evaluated: 2022-11-15. Review status: criteria provided, single submitter. Criteria: GeneDx Variant Classification Process June 2021. Collection method: clinical testing. Allele origin: germline. Affected: yes.
Comment: Not observed at significant frequency in large population cohorts (gnomAD); In silico analysis supports that this missense variant has a deleterious effect on protein structure/function; Has not been previously published as pathogenic or benign to our knowledge

NM_133261.3(GIPC3):c.899T>C (p.Val300Ala)

Gene: GIPC3 (GIPC PDZ domain containing family member 3; plus strand). Cytogenetic location: 19p13.3.
Variant type: single nucleotide variant.
Coding change: c.899T>C on transcript NM_133261.3 (MANE Select); coding-DNA position 899, T replaced by C.
Protein change: p.Val300Ala; replaces valine 300 with alanine.
Molecular consequence: missense variant. On other transcripts: synonymous variant (1).
Genome position (GRCh38, 1-based): chr19:3,590,150, T>C. VCF-style: chr19-3590150-T-C. GRCh37 (hg19) VCF-style: chr19-3590148-T-C.
Other names: c.912T>C, p.Ser304= (NM_001411144.1); short protein forms V300A.
Identifiers: ClinVar variation 2501920 (VCV002501920.1), dbSNP rs2512427928, ClinGen allele CA403365538.
Genomic context (GRCh38, chr19:3,590,150, plus strand): 5'-CACGCTGTTTAGACTCCGTCTTGGGCGAGTTCGCCTTCCCCGACGAGTTTGTGGTGGAAG[T>C]GTGGGCCGCCATCGGCGAGGCCAGAGAGGCCTGTGGCTAGTTTGCCCTGGGGGGGCCCAG-3'
Protein context (NP_573568.1, residues 290-310): FAFPDEFVVE[Val300Ala]WAAIGEAREA